The following is an entry in ClinVar:

ClinVar aggregate classification (germline): Pathogenic (1 of 4 stars; one submission).

Conditions:
Autosomal recessive limb-girdle muscular dystrophy type 2J (LGMDR10). Also called: Limb-girdle muscular dystrophy, type 2J; MUSCULAR DYSTROPHY, LIMB-GIRDLE, AUTOSOMAL RECESSIVE 10. Identifiers: Orphanet 140922, MedGen C1837342, MONDO:0012127, OMIM 608807.
Dilated cardiomyopathy 1G (CMD1G). Identifiers: Orphanet 154, MedGen C1858763, MONDO:0011400, OMIM 604145.

Submission:

Labcorp Genetics (formerly Invitae), Labcorp
Classification: Pathogenic for Dilated cardiomyopathy 1G; Autosomal recessive limb-girdle muscular dystrophy type 2J. Last evaluated: 2024-02-03. Review status: criteria provided, single submitter. Criteria: Invitae Variant Classification Sherloc (09022015). Collection method: clinical testing. Allele origin: germline.
Comment: This sequence change affects a donor splice site in intron 265 of the TTN gene. It is expected to disrupt RNA splicing and likely results in a truncated or disrupted TTN protein. This variant is not present in population databases (gnomAD no frequency). Disruption of this splice site has been observed in individual(s) with centronuclear myopathy and/or dilated cardiomyopathy (PMID: 32778822, 34731015). In at least one individual the data is consistent with being in trans (on the opposite chromosome) from a pathogenic variant. Algorithms developed to predict the effect of sequence changes on RNA splicing suggest that this variant may disrupt the consensus splice site. This variant is located in the A band of TTN (PMID: 25589632). Truncating variants in this region are significantly overrepresented in patients affected with dilated cardiomyopathy (PMID: 25589632). Truncating variants in this region have also been reported in individuals affected with autosomal recessive centronuclear myopathy (PMID: 23975875). For these reasons, this variant has been classified as Pathogenic.

Literature cited by the submitters: PubMed 32778822; PubMed 34731015; PubMed 25589632; PubMed 23975875.

NM_001267550.2(TTN):c.49948+1G>C

Genes: TTN-AS1 (TTN antisense RNA 1; plus strand), TTN (titin; minus strand). Cytogenetic location: 2q31.2.
Variant type: single nucleotide variant.
Coding change: c.49948+1G>C on transcript NM_001267550.2 (MANE Select); the canonical splice donor site of the intron after coding-DNA position 49948, G replaced by C.
Molecular consequence: splice donor variant.
Genome position (GRCh38, 1-based): chr2:178,612,772, C>G on the plus strand (G>C on the coding strand, the complement: TTN is on the minus strand). VCF-style: chr2-178612772-C-G. GRCh37 (hg19) VCF-style: chr2-179477499-C-G.
Other names: c.22753+1G>C (NM_003319.4); c.23329+1G>C (NM_133437.4); c.23128+1G>C (NM_133432.3); c.42244+1G>C (NM_133378.4); c.45025+1G>C (NM_001256850.1).
Identifiers: ClinVar variation 3754396 (VCV003754396.2).